The following is an entry in ClinVar:

NM_001161352.2(KCNMA1):c.3462-8del

Gene: KCNMA1 (potassium calcium-activated channel subfamily M alpha 1; minus strand). Cytogenetic location: 10q22.3.
Variant type: Deletion.
Coding change: c.3462-8del on transcript NM_001161352.2 (MANE Select); 8 bases into the intron before coding-DNA position 3462, one base deleted (C; older notation c.3462-8delC).
Molecular consequence: intron variant.
Genome position (GRCh38, 1-based): chr10:76,887,523, G deleted on the plus strand (C on the coding strand, the reverse complement: KCNMA1 is on the minus strand); the first of 3 consecutive G bases (chr10:76,887,523-76,887,525); deleting any one gives the same sequence. VCF-style (leftmost placement, unchanged base first): chr10-76887522-AG-A. GRCh37 (hg19) VCF-style: chr10-78647280-AG-A.
Other names: c.3138-8del (NM_001271518.2); c.3288-8del (NM_001322832.2, NM_001410940.1, NM_002247.4); c.3297-8del (NM_001322829.2, NM_001322836.2); c.3300-8del (NM_001014797.3); c.3381-8del (NM_001322835.2, NM_001322837.2); c.3390-8del (NM_001322830.2); c.2835-8del (NM_001322838.2); c.3411-8del (NM_001161353.2); and 1 more.
Identifiers: ClinVar variation 3571986 (VCV003571986.1).

ClinVar aggregate classification (germline): Uncertain significance (1 of 4 stars; one submission).

Submission:

Athena Diagnostics
Classification: Uncertain significance. Last evaluated: 2024-06-14. Review status: criteria provided, single submitter. Criteria: Athena Diagnostics Criteria. Collection method: clinical testing. Allele origin: unknown.
Comment: Available data are insufficient to determine the clinical significance of the variant at this time. This variant has not been reported in large, multi-ethnic general populations. Computational tools yielded predictions that this variant is unlikely to have an effect on normal RNA splicing.